The following is an entry in ClinVar:

NM_001569.4(IRAK1):c.1303-2A>G

Gene: IRAK1 (interleukin 1 receptor associated kinase 1; minus strand). Cytogenetic location: Xq28.
Variant type: single nucleotide variant.
Coding change: c.1303-2A>G on transcript NM_001569.4 (MANE Select); the canonical splice acceptor site of the intron before coding-DNA position 1303, A replaced by G.
Molecular consequence: splice acceptor variant. On other transcripts: intron variant (1).
Genome position (GRCh38, 1-based): chrX:154,014,280, T>C on the plus strand (A>G on the coding strand, the complement: IRAK1 is on the minus strand). VCF-style: chrX-154014280-T-C. GRCh37 (hg19) VCF-style: chrX-153279731-T-C.
Other names: NC_000023.10:g.153279731T>C; c.1303-847A>G (NM_001025243.2); c.1303-2A>G (NM_001025242.2); c.1381-2A>G (NM_001410701.1).
Identifiers: ClinVar variation 981169 (VCV000981169.2), dbSNP rs2065723451, ClinGen allele CA415143949.

ClinVar aggregate classification (germline): Uncertain significance (1 of 4 stars; one submission).

Submissions (2):

Rady Children's Institute for Genomic Medicine, Rady Children's Hospital San Diego
Classification: Uncertain significance. Last evaluated: 2020-02-04. Review status: criteria provided, single submitter. Criteria: ACMG Guidelines, 2015. Collection method: clinical testing. Allele origin: germline. Affected: yes.
Comment: This variant affects the canonical splice acceptor site of intron 10 of 13, and is therefore predicted to interfere with splicing and result in loss of normal protein function. This variant has not been previously reported or functionally characterized in the literature to our knowledge. It is absent from the ExAC and gnomAD population databases and thus is presumed to be rare. Multiple splice prediction tools suggest this variant is likely to interfere with normal splicing. The IRAK1 gene is highly intolerant of loss of function variants (pLI: 1.00). Based on the available evidence, the c.1303-2A>G variant is classified as a Variant of Uncertain Significance

Dr. Peter K. Rogan Lab, Western University
No classification provided (evidence only). Condition: Nonpapillary renal cell carcinoma. Review status: no classification provided. Collection method: in vitro. Allele origin: not applicable. Functional consequence: retained intron. Not counted in ClinVar's aggregate classification.